The following is an entry in ClinVar:

ClinVar aggregate classification (germline): Likely benign. Review status: criteria provided, multiple submitters, no conflicts (2 of 4 stars). 4 submissions from 4 submitters: Likely benign (4). Last evaluated 2026-09-01.

Conditions:
Costello syndrome (CSTLO). Also called: HRAS-Related Costello Syndrome; FCS SYNDROME; FACIOCUTANEOSKELETAL SYNDROME. Identifiers: Orphanet 3071, MedGen C0587248, MONDO:0009026, OMIM 218040.
Cardiovascular phenotype. Identifiers: MedGen CN230736.

Allele frequency attached by ClinVar (database versions not stated): gnomAD exomes below 0.00001.
gnomAD v4.1: 2 of 1,613,882 alleles (0.00012%); highest among the groups gnomAD compares: Admixed American, 0.0017%; no homozygotes.

Submissions (4):

CeGaT Center for Human Genetics Tuebingen
Classification: Likely benign. Last evaluated: 2026-09-01. Review status: criteria provided, single submitter. Criteria: CeGaT Center For Human Genetics Tuebingen Variant Classification Criteria Version 2. Collection method: clinical testing. Allele origin: germline. Affected: yes. Observed: 1 variant allele.
Comment: HRAS: BP4, BP7

Ambry Genetics
Classification: Likely benign for Cardiovascular phenotype. Last evaluated: 2026-03-01. Review status: criteria provided, single submitter. Criteria: Ambry Variant Classification Scheme 2023. Collection method: clinical testing. Allele origin: germline.

Women's Health and Genetics/Laboratory Corporation of America, LabCorp
Classification: Likely benign. Last evaluated: 2024-12-06. Review status: criteria provided, single submitter. Criteria: LabCorp Variant Classification Summary - May 2015. Collection method: clinical testing. Allele origin: germline.

Labcorp Genetics (formerly Invitae), Labcorp
Classification: Likely benign for Costello syndrome. Last evaluated: 2024-07-30. Review status: criteria provided, single submitter. Criteria: Invitae Variant Classification Sherloc (09022015). Collection method: clinical testing. Allele origin: germline.

NM_005343.4(HRAS):c.315C>T (p.Asp105=)

Genes: HRAS (HRas proto-oncogene, GTPase; minus strand), LRRC56 (leucine rich repeat containing 56; plus strand). Cytogenetic location: 11p15.5.
Variant type: single nucleotide variant.
Coding change: c.315C>T on transcript NM_005343.4 (MANE Select); coding-DNA position 315, C replaced by T.
Protein change: p.Asp105=; no amino-acid change (aspartic acid 105 retained).
Molecular consequence: synonymous variant. On other transcripts: 5 prime UTR variant (1).
Genome position (GRCh38, 1-based): chr11:533,588, G>A on the plus strand (C>T on the coding strand, the complement: HRAS is on the minus strand). VCF-style: chr11-533588-G-A. GRCh37 (hg19) VCF-style: chr11-533588-G-A.
Other names: c.315C>T (NM_005343.2); c.315C>T, p.Asp105= (NM_001130442.3, NM_176795.5); c.-5C>T (NM_001318054.2).
Identifiers: ClinVar variation 1649504 (VCV001649504.11), dbSNP rs1229925274, ClinGen allele CA472429424.